The following is an entry in ClinVar:

NM_005359.6(SMAD4):c.*10C>A

Gene: SMAD4 (SMAD family member 4; plus strand). Cytogenetic location: 18q21.2.
Variant type: single nucleotide variant.
Coding change: c.*10C>A on transcript NM_005359.6 (MANE Select); 10 bases downstream of the stop codon, C replaced by A.
Molecular consequence: 3 prime UTR variant. On other transcripts: non-coding transcript variant (1).
Genome position (GRCh38, 1-based): chr18:51,078,477, C>A. VCF-style: chr18-51078477-C-A. GRCh37 (hg19) VCF-style: chr18-48604847-C-A.
Other names: c.*10C>A (NM_001407041.1, NM_001407042.1).
Identifiers: ClinVar variation 3903710 (VCV003903710.1).

ClinVar aggregate classification (germline): Benign (1 of 4 stars; one submission).

Conditions:
Juvenile polyposis/hereditary hemorrhagic telangiectasia syndrome (JPHT). Also called: JP/HHT SYNDROME; JUVENILE POLYPOSIS WITH HEREDITARY HEMORRHAGIC TELANGIECTASIA; POLYPOSIS, GENERALIZED JUVENILE, WITH PULMONARY ARTERIOVENOUS MALFORMATION; TELANGIECTASIA, HEREDITARY HEMORRHAGIC, WITH JUVENILE POLYPOSIS COLI; Juvenile Polyposis Syndrome / Hereditary Hemorrhagic Telangiectasia (JPS/HHT). Identifiers: Orphanet 2929, MedGen C1832942, MONDO:0008278, OMIM 175050.

Submission:

Myriad Genetics, Inc.
Classification: Benign for Juvenile polyposis/hereditary hemorrhagic telangiectasia syndrome. Last evaluated: 2025-03-24. Review status: criteria provided, single submitter. Criteria: Myriad Autosomal Dominant, Autosomal Recessive and X-Linked Classification Criteria (2023). Collection method: clinical testing. Allele origin: unknown.
Comment: This variant is considered benign. This variant occurs in the non-coding 3' untranslated region of the gene, and is not expected to impact protein function.